The following is an entry in ClinVar:

NM_001009944.3(PKD1):c.7663G>A (p.Val2555Met)

Gene: PKD1 (polycystin 1, transient receptor potential channel interacting; minus strand). Cytogenetic location: 16p13.3.
Variant type: single nucleotide variant.
Coding change: c.7663G>A on transcript NM_001009944.3 (MANE Select); coding-DNA position 7663, G replaced by A.
Protein change: p.Val2555Met; replaces valine 2555 with methionine.
Molecular consequence: missense variant.
Genome position (GRCh38, 1-based): chr16:2,106,131, C>T on the plus strand (G>A on the coding strand, the complement: PKD1 is on the minus strand). VCF-style: chr16-2106131-C-T. GRCh37 (hg19) VCF-style: chr16-2156132-C-T.
Other names: c.7663G>A, p.Val2555Met (NM_000296.4); c.7663G>A (NM_000296.3); short protein forms V2555M.
Identifiers: ClinVar variation 1696937 (VCV001696937.7), dbSNP rs2151771585, ClinGen allele CA394368326.

ClinVar aggregate classification (germline): Uncertain significance. Review status: criteria provided, multiple submitters, no conflicts (2 of 4 stars). 3 submissions from 3 submitters: Uncertain significance (3). Last evaluated 2022-08-26.

Conditions:
Inborn genetic diseases. Identifiers: MedGen C0950123, MeSH D030342.
Polycystic kidney disease, adult type (PKD1). Also called: Polycystic Kidney Disease 1, Autosomal Dominant; Polycystic kidney disease 1; Polycystic kidney disease 1, severe; POLYCYSTIC KIDNEY DISEASE, ADULT, TYPE I; POLYCYSTIC KIDNEY DISEASE 1 WITH OR WITHOUT POLYCYSTIC LIVER DISEASE; Polycystic Kidney, Autosomal Dominant. Identifiers: MedGen C3149841, MONDO:0008263, OMIM 173900.

Submissions (3):

Ambry Genetics
Classification: Uncertain significance for Inborn genetic diseases. Last evaluated: 2022-08-26. Review status: criteria provided, single submitter. Criteria: Ambry Variant Classification Scheme 2023. Collection method: clinical testing. Allele origin: germline.
Comment: The c.7663G>A (p.V2555M) alteration is located in exon 19 (coding exon 19) of the PKD1 gene. This alteration results from a G to A substitution at nucleotide position 7663, causing the valine (V) at amino acid position 2555 to be replaced by a methionine (M). This variant was not reported in population-based cohorts in the Genome Aggregation Database (gnomAD). This alteration was detected in multiple individuals with kidney disease (Mantovani, 2016; Carrera, 2016). This amino acid position is highly conserved in available vertebrate species. The in silico prediction for this alteration is inconclusive. Based on insufficient or conflicting evidence, the clinical significance of this alteration remains unclear.

GeneDx
Classification: Uncertain significance. Last evaluated: 2022-07-15. Review status: criteria provided, single submitter. Criteria: GeneDx Variant Classification Process June 2021. Collection method: clinical testing. Allele origin: germline. Affected: yes.
Comment: Not observed at significant frequency in large population cohorts (gnomAD); In silico analysis supports that this missense variant does not alter protein structure/function; This variant is associated with the following publications: (PMID: 32457805)

Juno Genomics, Hangzhou Juno Genomics, Inc
Classification: Uncertain significance for Polycystic kidney disease, adult type. Review status: criteria provided, single submitter. Criteria: ACMG Guidelines, 2015. Collection method: clinical testing. Allele origin: germline.
Comment: Absent from controls (or at extremely low frequency if recessive) in Genome Aggregation Database.;Multiple lines of computational evidence support a deleterious effect on the gene or gene product.

Literature cited by the submitters: PubMed 27499327 (cited by Ambry Genetics); PubMed 32457805 (cited by Ambry Genetics).